The following is an entry in ClinVar:

NM_173728.4(ARHGEF15):c.287G>T (p.Ser96Ile)

Gene: ARHGEF15 (Rho guanine nucleotide exchange factor 15; plus strand). Cytogenetic location: 17p13.1.
Variant type: single nucleotide variant.
Coding change: c.287G>T on transcript NM_173728.4 (MANE Select); coding-DNA position 287, G replaced by T.
Protein change: p.Ser96Ile; replaces serine 96 with isoleucine.
Molecular consequence: missense variant.
Genome position (GRCh38, 1-based): chr17:8,312,326, G>T. VCF-style: chr17-8312326-G-T. GRCh37 (hg19) VCF-style: chr17-8215644-G-T.
Other names: c.287G>T, p.Ser96Ile (NM_025014.2); short protein forms S96I.
Identifiers: ClinVar variation 1348838 (VCV001348838.9), dbSNP rs754506677, ClinGen allele CA8374823.
Genomic context (GRCh38, chr17:8,312,326, plus strand): 5'-TGCCCCCCTCAGCTTCTAGAGCCAGCCTCGACTCCCAGACTTCCCCAGACTCACCTTCCA[G>T]CACCCCCACACCTAGTCCAGTGTCCCGGCGCTCCGCCTCCCCAGAACCTGCTCCCCGGTC-3'
Protein context (NP_776089.2, residues 86-106): DSQTSPDSPS[Ser96Ile]TPTPSPVSRR

ClinVar aggregate classification (germline): Uncertain significance (1 of 4 stars; one submission).

Conditions:
Early-infantile DEE. Also called: Early infantile epileptic encephalopathy; Early infantile epileptic encephalopathy with suppression bursts; Ohtahara syndrome. Identifiers: Orphanet 1934, MedGen C0393706, MONDO:0800491.

Allele frequency attached by ClinVar (database versions not stated): gnomAD exomes below 0.00001; TOPMed below 0.00001; ExAC 0.00001.
gnomAD v4.1: 3 of 1,571,352 alleles (0.00019%); highest among the groups gnomAD compares: Non-Finnish European, 0.00026%; no homozygotes.

Submission:

Labcorp Genetics (formerly Invitae), Labcorp
Classification: Uncertain significance for Early-infantile DEE. Last evaluated: 2022-08-15. Review status: criteria provided, single submitter. Criteria: Invitae Variant Classification Sherloc (09022015). Collection method: clinical testing. Allele origin: germline.
Comment: In summary, the available evidence is currently insufficient to determine the role of this variant in disease. Therefore, it has been classified as a Variant of Uncertain Significance. Algorithms developed to predict the effect of missense changes on protein structure and function are either unavailable or do not agree on the potential impact of this missense change (SIFT: "Deleterious"; PolyPhen-2: "Benign"; Align-GVGD: "Class C0"). ClinVar contains an entry for this variant (Variation ID: 1348838). This variant has not been reported in the literature in individuals affected with ARHGEF15-related conditions. The frequency data for this variant in the population databases is considered unreliable, as metrics indicate poor data quality at this position in the gnomAD database. This sequence change replaces serine, which is neutral and polar, with isoleucine, which is neutral and non-polar, at codon 96 of the ARHGEF15 protein (p.Ser96Ile).